The following is an entry in ClinVar:

ClinVar aggregate classification (germline): Uncertain significance (1 of 4 stars; one submission).

Conditions:
Early-infantile DEE. Also called: Ohtahara syndrome; Early infantile epileptic encephalopathy; Early infantile epileptic encephalopathy with suppression bursts. Identifiers: Orphanet 1934, MedGen C0393706, MONDO:0800491.

Submission:

Labcorp Genetics (formerly Invitae), Labcorp
Classification: Uncertain significance for Early-infantile DEE. Last evaluated: 2025-01-19. Review status: criteria provided, single submitter. Criteria: Invitae Variant Classification Sherloc (09022015). Collection method: clinical testing. Allele origin: germline.
Comment: This sequence change affects codon 1975 of the SCN8A mRNA. It is a 'silent' change, meaning that it does not change the encoded amino acid sequence of the SCN8A protein. This variant is not present in population databases (gnomAD no frequency). This variant has not been reported in the literature in individuals affected with SCN8A-related conditions. Algorithms developed to predict the effect of sequence changes on RNA splicing suggest that this variant may create or strengthen a splice site. In summary, the available evidence is currently insufficient to determine the role of this variant in disease. Therefore, it has been classified as a Variant of Uncertain Significance.

NM_001330260.2(SCN8A):c.5925C>A (p.Val1975=)

Gene: SCN8A (sodium voltage-gated channel alpha subunit 8; plus strand). Cytogenetic location: 12q13.13.
Variant type: single nucleotide variant.
Coding change: c.5925C>A on transcript NM_001330260.2 (MANE Select); coding-DNA position 5925, C replaced by A.
Protein change: p.Val1975=; no amino-acid change (valine 1975 retained).
Molecular consequence: synonymous variant.
Genome position (GRCh38, 1-based): chr12:51,807,411, C>A. VCF-style: chr12-51807411-C-A. GRCh37 (hg19) VCF-style: chr12-52201195-C-A.
Other names: c.5802C>A, p.Val1934= (NM_001177984.3, NM_001369788.1); c.5925C>A, p.Val1975= (NM_014191.4).
Identifiers: ClinVar variation 3666096 (VCV003666096.2).
Genomic context (GRCh38, chr12:51,807,411, plus strand): 5'-GGAGAAACAGCAGCGGGCAGAGGAAGGAAGAAGGGAAAGAGCCAAAAGACAAAAAGAGGT[C>A]AGAGAATCCAAGTGTTAGAGGAGAACAAAAATTCAGTATTATACAGATCTAAAACTCGCA-3'
Protein context (NP_001317189.1, residues 1965-1980): RRERAKRQKE[Val1975=]RESKC